The following is an entry in ClinVar:

NM_001127453.2(GSDME):c.782G>T (p.Arg261Leu)

Gene: GSDME (gasdermin E; minus strand). Cytogenetic location: 7p15.3.
Variant type: single nucleotide variant.
Coding change: c.782G>T on transcript NM_001127453.2 (MANE Select); coding-DNA position 782, G replaced by T.
Protein change: p.Arg261Leu; replaces arginine 261 with leucine.
Molecular consequence: missense variant.
Genome position (GRCh38, 1-based): chr7:24,710,304, C>A on the plus strand (G>T on the coding strand, the complement: GSDME is on the minus strand). VCF-style: chr7-24710304-C-A. GRCh37 (hg19) VCF-style: chr7-24749923-C-A.
Other names: c.290G>T, p.Arg97Leu (NM_001127454.2); c.782G>T, p.Arg261Leu (NM_004403.3); short protein forms R97L, R261L.
Identifiers: ClinVar variation 3657789 (VCV003657789.2).

ClinVar aggregate classification (germline): Uncertain significance (1 of 4 stars; one submission).

gnomAD v4.1: 4 of 1,614,212 alleles (0.00025%); highest among the groups gnomAD compares: Non-Finnish European, 0.00034%; no homozygotes.

Submission:

Labcorp Genetics (formerly Invitae), Labcorp
Classification: Uncertain significance. Last evaluated: 2024-06-25. Review status: criteria provided, single submitter. Criteria: Invitae Variant Classification Sherloc (09022015). Collection method: clinical testing. Allele origin: germline.
Comment: This sequence change replaces arginine, which is basic and polar, with leucine, which is neutral and non-polar, at codon 261 of the DFNA5 protein (p.Arg261Leu). This variant is present in population databases (no rsID available, gnomAD 0.0009%). This variant has not been reported in the literature in individuals affected with DFNA5-related conditions. An algorithm developed to predict the effect of missense changes on protein structure and function (PolyPhen-2) suggests that this variant is likely to be tolerated. In summary, the available evidence is currently insufficient to determine the role of this variant in disease. Therefore, it has been classified as a Variant of Uncertain Significance.